The following is an entry in ClinVar:

NM_004237.4(TRIP13):c.1060C>A (p.Arg354=)

Gene: TRIP13 (thyroid hormone receptor interactor 13; plus strand). Cytogenetic location: 5p15.33.
Variant type: single nucleotide variant.
Coding change: c.1060C>A on transcript NM_004237.4 (MANE Select); coding-DNA position 1060, C replaced by A.
Protein change: p.Arg354=; no amino-acid change (arginine 354 retained).
Molecular consequence: synonymous variant.
Genome position (GRCh38, 1-based): chr5:914,504, C>A. VCF-style: chr5-914504-C-A. GRCh37 (hg19) VCF-style: chr5-914619-C-A.
Identifiers: ClinVar variation 4798931 (VCV004798931.1).

ClinVar aggregate classification (germline): Uncertain significance (1 of 4 stars; one submission).

gnomAD v4.1: 2 of 1,613,522 alleles (0.00012%); highest among the groups gnomAD compares: African/African-American, 0.0027%; no homozygotes.

Submission:

Labcorp Genetics (formerly Invitae), Labcorp
Classification: Uncertain significance. Last evaluated: 2025-03-18. Review status: criteria provided, single submitter. Criteria: Invitae Variant Classification Sherloc (09022015). Collection method: clinical testing. Allele origin: germline.
Comment: This sequence change affects codon 354 of the TRIP13 mRNA. It is a 'silent' change, meaning that it does not change the encoded amino acid sequence of the TRIP13 protein. This variant is not present in population databases (gnomAD no frequency). This variant has not been reported in the literature in individuals affected with TRIP13-related conditions. Algorithms developed to predict the effect of sequence changes on RNA splicing suggest that this variant may disrupt the consensus splice site. In summary, the available evidence is currently insufficient to determine the role of this variant in disease. Therefore, it has been classified as a Variant of Uncertain Significance.